The following is an entry in ClinVar:

ClinVar aggregate classification (germline): Benign. Review status: no assertion criteria provided (0 of 4 stars). 2 submissions from 2 submitters: Benign (1). 1 of the submissions does not count toward it. Last evaluated 2020-01-28.

Conditions:
CBLB-related disorder. Also called: CBLB-related condition.

Allele frequency attached by ClinVar (database versions not stated): gnomAD exomes 0.00173 and 0.00464; ExAC 0.00562; gnomAD 0.01769 and 0.01914; 1000 Genomes Project 0.01997; TOPMed 0.02012; ESP Exome Variant Server 0.02022; 1000 Genomes Project 30x 0.02233.
gnomAD v4.1: 5,326 of 1,613,210 alleles (0.33%); highest among the groups gnomAD compares: African/African-American, 6.2%; 140 homozygotes.

Submissions (2):

PreventionGenetics, part of Exact Sciences
Classification: Benign for CBLB-related condition. Last evaluated: 2020-01-28. Review status: no assertion criteria provided. Collection method: clinical testing. Allele origin: germline.
Comment: This variant is classified as benign based on ACMG/AMP sequence variant interpretation guidelines (Richards et al. 2015 PMID: 25741868, with internal and published modifications).

ITMI
No classification provided. Condition: AllHighlyPenetrant. Last evaluated: 2013-09-19. Review status: no classification provided. Collection method: reference population. Allele origin: germline. Not counted in ClinVar's aggregate classification.
Comment: Please see associated publication for description of ethnicities

Literature cited by the submitters: PubMed 24728327 (cited by ITMI).

NM_170662.5(CBLB):c.2647A>G (p.Asn883Asp)

Gene: CBLB (Cbl proto-oncogene B; minus strand). Cytogenetic location: 3q13.11.
Variant type: single nucleotide variant.
Coding change: c.2647A>G on transcript NM_170662.5 (MANE Select); coding-DNA position 2647, A replaced by G.
Protein change: p.Asn883Asp; replaces asparagine 883 with aspartic acid.
Molecular consequence: missense variant. On other transcripts: non-coding transcript variant (7).
Genome position (GRCh38, 1-based): chr3:105,670,275, T>C on the plus strand (A>G on the coding strand, the complement: CBLB is on the minus strand). VCF-style: chr3-105670275-T-C. GRCh37 (hg19) VCF-style: chr3-105389119-T-C.
Other names: c.2731A>G, p.Asn911Asp (NM_001321786.1); c.2647A>G, p.Asn883Asp (NM_001321788.2); c.2584A>G, p.Asn862Asp (NM_001321789.1); c.2581A>G, p.Asn861Asp (NM_001321790.2); c.2515A>G, p.Asn839Asp (NM_001321791.2, NM_001321793.2); c.2500A>G, p.Asn834Asp (NM_001321794.2, NM_001321795.2, NM_001321796.2); c.2368A>G, p.Asn790Asp (NM_001321797.2, NM_001321798.2, NM_001321799.2); c.1867A>G, p.Asn623Asp (NM_001321806.2, NM_001321807.2); and 5 more; short protein forms N883D, N440D, N443D, N530D, N574D, N579D, N623D, N790D.
Identifiers: ClinVar variation 133825 (VCV000133825.3), dbSNP rs35835913, ClinGen allele CA157897.